The following is an entry in ClinVar:

NM_000088.4(COL1A1):c.3532G>A (p.Gly1178Ser)

Gene: COL1A1 (collagen type I alpha 1 chain; minus strand). Cytogenetic location: 17q21.33.
Variant type: single nucleotide variant.
Coding change: c.3532G>A on transcript NM_000088.4 (MANE Select); coding-DNA position 3532, G replaced by A.
Protein change: p.Gly1178Ser; replaces glycine 1178 with serine.
Molecular consequence: missense variant.
Genome position (GRCh38, 1-based): chr17:50,186,922, C>T on the plus strand (G>A on the coding strand, the complement: COL1A1 is on the minus strand). VCF-style: chr17-50186922-C-T. GRCh37 (hg19) VCF-style: chr17-48264283-C-T.
Other names: short protein forms G1178S.
Identifiers: ClinVar variation 4282006 (VCV004282006.1).

ClinVar aggregate classification (germline): Pathogenic (1 of 4 stars; one submission).

Submission:

GeneDx
Classification: Pathogenic. Last evaluated: 2025-04-11. Review status: criteria provided, single submitter. Criteria: GeneDx Variant Classification Process June 2021. Collection method: clinical testing. Allele origin: germline. Affected: yes.
Comment: Occurs in the triple helical domain and replaces a glycine in a canonical Gly-X-Y repeat; missense substitution of a canonical glycine residue is expected to disrupt normal protein folding and function, and this is an established mechanism of disease (PMID: 34007986); Not observed at significant frequency in large population cohorts (gnomAD); In silico analysis supports that this missense variant has a deleterious effect on protein structure/function; Has not been previously published as pathogenic or benign to our knowledge; This variant is associated with the following publications: (PMID: 34007986, 22005702)